The following is an entry in ClinVar:

ClinVar aggregate classification (germline): Uncertain significance. Review status: criteria provided, multiple submitters, no conflicts (2 of 4 stars). 2 submissions from 2 submitters: Uncertain significance (2). Last evaluated 2025-07-15.

Conditions:
Inborn genetic diseases. Identifiers: MedGen C0950123, MeSH D030342.

Allele frequency attached by ClinVar (database versions not stated): gnomAD exomes below 0.00001.
gnomAD v4.1: 1 of 1,611,340 alleles (0.000062%); highest among the groups gnomAD compares: Admixed American, 0.0017%; no homozygotes.

Submissions (2):

Ambry Genetics
Classification: Uncertain significance for Inborn genetic diseases. Last evaluated: 2025-07-15. Review status: criteria provided, single submitter. Criteria: Ambry Variant Classification Scheme 2023. Collection method: clinical testing. Allele origin: germline.

Labcorp Genetics (formerly Invitae), Labcorp
Classification: Uncertain significance. Last evaluated: 2023-12-07. Review status: criteria provided, single submitter. Criteria: Invitae Variant Classification Sherloc (09022015). Collection method: clinical testing. Allele origin: germline.
Comment: This sequence change replaces aspartic acid, which is acidic and polar, with histidine, which is basic and polar, at codon 351 of the GCLC protein (p.Asp351His). This variant is not present in population databases (gnomAD no frequency). This variant has not been reported in the literature in individuals affected with GCLC-related conditions. ClinVar contains an entry for this variant (Variation ID: 2046265). Algorithms developed to predict the effect of missense changes on protein structure and function output the following: SIFT: "Not Available"; PolyPhen-2: "Benign"; Align-GVGD: "Not Available". The histidine amino acid residue is found in multiple mammalian species, which suggests that this missense change does not adversely affect protein function. In summary, the available evidence is currently insufficient to determine the role of this variant in disease. Therefore, it has been classified as a Variant of Uncertain Significance.

NM_001498.4(GCLC):c.1051G>C (p.Asp351His)

Gene: GCLC (glutamate-cysteine ligase catalytic subunit; minus strand). Cytogenetic location: 6p12.1.
Variant type: single nucleotide variant.
Coding change: c.1051G>C on transcript NM_001498.4 (MANE Select); coding-DNA position 1051, G replaced by C.
Protein change: p.Asp351His; replaces aspartic acid 351 with histidine.
Molecular consequence: missense variant.
Genome position (GRCh38, 1-based): chr6:53,507,513, C>G on the plus strand (G>C on the coding strand, the complement: GCLC is on the minus strand). VCF-style: chr6-53507513-C-G. GRCh37 (hg19) VCF-style: chr6-53372311-C-G.
Other names: c.1051G>C (NM_001498.3); c.937G>C, p.Asp313His (NM_001197115.2); short protein forms D313H, D351H.
Identifiers: ClinVar variation 2046265 (VCV002046265.5), dbSNP rs2481342764, ClinGen allele CA364472156.